The following is an entry in ClinVar:

NM_000492.4(CFTR):c.2403C>G (p.Asn801Lys)

Gene: CFTR (CF transmembrane conductance regulator; plus strand). Cytogenetic location: 7q31.2.
Variant type: single nucleotide variant.
Coding change: c.2403C>G on transcript NM_000492.4 (MANE Select); coding-DNA position 2403, C replaced by G.
Protein change: p.Asn801Lys; replaces asparagine 801 with lysine.
Molecular consequence: missense variant.
Genome position (GRCh38, 1-based): chr7:117,592,570, C>G. VCF-style: chr7-117592570-C-G. GRCh37 (hg19) VCF-style: chr7-117232624-C-G.
Other names: p.Asn801Lys; short protein forms N801K.
Identifiers: ClinVar variation 2163734 (VCV002163734.4), dbSNP rs752093682, ClinGen allele CA368981148.

ClinVar aggregate classification (germline): Uncertain significance. Review status: criteria provided, multiple submitters, no conflicts (2 of 4 stars). 3 submissions from 3 submitters: Uncertain significance (3). Last evaluated 2025-09-07.

Conditions:
Cystic fibrosis (CF). Also called: MUCOVISCIDOSIS. Identifiers: Orphanet 586, MedGen C0010674, MONDO:0009061, OMIM 219700. Disease mechanism: loss of function.

Allele frequency attached by ClinVar (database versions not stated): TOPMed below 0.00001; gnomAD 0.00001.
gnomAD v4.1: 6 of 1,522,970 alleles (0.00039%); highest among the groups gnomAD compares: Non-Finnish European, 0.00053%; no homozygotes.

Submissions (3):

Labcorp Genetics (formerly Invitae), Labcorp
Classification: Uncertain significance for Cystic fibrosis. Last evaluated: 2025-09-07. Review status: criteria provided, single submitter. Criteria: Invitae Variant Classification Sherloc (09022015). Collection method: clinical testing. Allele origin: germline.
Comment: This sequence change replaces asparagine, which is neutral and polar, with lysine, which is basic and polar, at codon 801 of the CFTR protein (p.Asn801Lys). This variant is not present in population databases (gnomAD no frequency). This variant has not been reported in the literature in individuals affected with CFTR-related conditions. ClinVar contains an entry for this variant (Variation ID: 2163734). Invitae Evidence Modeling of protein sequence and biophysical properties (such as structural, functional, and spatial information, amino acid conservation, physicochemical variation, residue mobility, and thermodynamic stability) indicates that this missense variant is not expected to disrupt CFTR protein function with a negative predictive value of 80%. In summary, the available evidence is currently insufficient to determine the role of this variant in disease. Therefore, it has been classified as a Variant of Uncertain Significance.

Mayo Clinic Laboratories, Mayo Clinic
Classification: Uncertain significance. Last evaluated: 2025-06-12. Review status: criteria provided, single submitter. Criteria: ACMG Guidelines, 2015. Collection method: clinical testing. Allele origin: germline. Observed: 1 variant allele.
Comment: BP4, PM2_supporting

Ambry Genetics
Classification: Uncertain significance for Cystic fibrosis. Last evaluated: 2024-06-07. Review status: criteria provided, single submitter. Criteria: Ambry Variant Classification Scheme 2023. Collection method: clinical testing. Allele origin: germline.
Comment: The p.N801K variant (also known as c.2403C>G), located in coding exon 14 of the CFTR gene, results from a C to G substitution at nucleotide position 2403. The asparagine at codon 801 is replaced by lysine, an amino acid with similar properties. This amino acid position is not well conserved in available vertebrate species. In addition, this alteration is predicted to be tolerated by in silico analysis. Based on the available evidence, the clinical significance of this variant remains unclear.